The following is an entry in ClinVar:

NM_000238.4(KCNH2):c.1883G>T (p.Gly628Val)

Gene: KCNH2 (potassium voltage-gated channel subfamily H member 2; minus strand). Cytogenetic location: 7q36.1.
Variant type: single nucleotide variant.
Coding change: c.1883G>T on transcript NM_000238.4 (MANE Select); coding-DNA position 1883, G replaced by T.
Protein change: p.Gly628Val; replaces glycine 628 with valine.
Molecular consequence: missense variant.
Genome position (GRCh38, 1-based): chr7:150,951,510, C>A on the plus strand (G>T on the coding strand, the complement: KCNH2 is on the minus strand). VCF-style: chr7-150951510-C-A. GRCh37 (hg19) VCF-style: chr7-150648598-C-A.
Other names: c.1883G>T (LRG_288t1); c.863G>T, p.Gly288Val (NM_001204798.2, NM_172057.3); c.1595G>T, p.Gly532Val (NM_001406753.1, NM_001406756.1); c.1706G>T, p.Gly569Val (NM_001406755.1); c.1583G>T, p.Gly528Val (NM_001406757.1); c.1883G>T, p.Gly628Val (NM_172056.3); short protein forms G288V, G628V, G528V, G569V, G532V.
Identifiers: ClinVar variation 67312 (VCV000067312.3), dbSNP rs199472955, ClinGen allele CA005832.
Genomic context (GRCh38, chr7:150,951,510, plus strand): 5'-CCAATGAGCATGACGCAGATGGAGAAGATCTTCTCTGAGTTGGTGTTGGGAGAGACGTTG[C>A]CGAAGCCCACACTGGTGAGGCTGCTGAAGGTGAAGTAGAGCGCCGTCACATACTTGTCCT-3'
Protein context (NP_000229.1, residues 618-638): TFSSLTSVGF[Gly628Val]NVSPNTNSEK

ClinVar aggregate classification (germline): not provided (0 of 4 stars; one submission).

Conditions:
Familial long QT syndrome (RWS). Also called: Congenital long QT syndrome; Romano-Ward syndrome; VENTRICULAR FIBRILLATION WITH PROLONGED QT INTERVAL. Identifiers: Orphanet 768, MedGen C1141890, MONDO:0019171.

Submission:

Cardiovascular Biomedical Research Unit, Royal Brompton & Harefield NHS Foundation Trust
No classification provided. Condition: Familial long QT syndrome. Review status: no classification provided. Collection method: literature only. Allele origin: germline.
Comment: This variant has been reported as associated with Long QT syndrome in the following publications (PMID:15840476). This is a literature report, and does not necessarily reflect the clinical interpretation of the Imperial College / Royal Brompton Cardiovascular Genetics laboratory.

Literature cited by the submitters: PubMed 15840476; PubMed 22581653.